The following is an entry in ClinVar:

ClinVar aggregate classification (germline): Likely pathogenic (1 of 4 stars; one submission).

Conditions:
Cerebellar dysfunction with variable cognitive and behavioral abnormalities (CECBA). Also called: Nonprogressive cerebellar atxia with intellectual disability. Identifiers: Orphanet 314647, MedGen C3553661, MONDO:0013886, OMIM 614756.

Submission:

Greenwood Genetic Center Diagnostic Laboratories, Greenwood Genetic Center
Classification: Likely pathogenic for Cerebellar dysfunction with variable cognitive and behavioral abnormalities. Last evaluated: 2022-12-13. Review status: criteria provided, single submitter. Criteria: ACMG Guidelines, 2015. Collection method: clinical testing. Allele origin: germline. Affected: yes.
Comment: PVS1, PM2

NM_015215.4(CAMTA1):c.2452G>T (p.Glu818Ter)

Gene: CAMTA1 (calmodulin binding transcription activator 1; plus strand). Cytogenetic location: 1p36.23.
Variant type: single nucleotide variant.
Coding change: c.2452G>T on transcript NM_015215.4 (MANE Select); coding-DNA position 2452, G replaced by T.
Protein change: p.Glu818Ter; replaces glutamic acid 818 with a stop codon.
Molecular consequence: nonsense.
Genome position (GRCh38, 1-based): chr1:7,664,999, G>T. VCF-style: chr1-7664999-G-T. GRCh37 (hg19) VCF-style: chr1-7725059-G-T.
Other names: c.2362G>T, p.Glu788Ter (NM_001349608.2, NM_001349612.2); c.2452G>T, p.Glu818Ter (NM_001349609.2, NM_001349610.2, NM_001410737.1); c.2380G>T, p.Glu794Ter (NM_001410738.1); short protein forms E788*, E794*, E818*.
Identifiers: ClinVar variation 2429024 (VCV002429024.4), dbSNP rs2523751784, ClinGen allele CA338135016.